The following is an entry in ClinVar:

ClinVar aggregate classification (germline): Benign/Likely benign. Review status: criteria provided, multiple submitters, no conflicts (2 of 4 stars). 11 submissions from 9 submitters: Benign (5); Likely benign (5). 1 of the submissions does not count toward it. Last evaluated 2026-01-26.

Conditions:
Greig cephalopolysyndactyly syndrome (GCPS). Also called: GLI3-Related Greig Cephalopolysyndactyly Syndrome; POLYSYNDACTYLY WITH PECULIAR SKULL SHAPE; Greig syndrome. Identifiers: Orphanet 380, MedGen C0265306, MONDO:0008287, OMIM 175700.
Pallister-Hall syndrome (PHS). Also called: HYPOTHALAMIC HAMARTOBLASTOMA, HYPOPITUITARISM, IMPERFORATE ANUS, AND POSTAXIAL POLYDACTYLY; GLI3-Related Pallister-Hall Syndrome. Identifiers: Orphanet 672, MedGen C0265220, MONDO:0007804, OMIM 146510.
Polysyndactyly 4. Also called: Polysyndactyly uncomplicated; Preaxial polydactyly 4. Identifiers: Orphanet 93338, MedGen C1868111, MONDO:0008272, OMIM 174700.
Polydactyly, postaxial, type A1. Identifiers: MedGen C4282400, MONDO:0008266, OMIM 174200.
GLI3-related disorder. Also called: GLI3-related disorders; GLI3-related condition. Identifiers: MedGen CN239292.
Polydactyly. Also called: polydactylism. Identifiers: MedGen C0152427, MONDO:0021003, OMIM 603596, HP:0010442.

Allele frequency attached by ClinVar (database versions not stated): ESP Exome Variant Server 0.00046; 1000 Genomes Project 0.00060; 1000 Genomes Project 30x 0.00062; gnomAD 0.00076 and 0.00080; ExAC 0.00081; gnomAD exomes 0.00089; TOPMed 0.00099.
gnomAD v4.1: 1,184 of 1,613,844 alleles (0.073%); highest among the groups gnomAD compares: Middle Eastern, 0.56%; 3 homozygotes.

Submissions (11):

Labcorp Genetics (formerly Invitae), Labcorp
Classification: Benign for Pallister-Hall syndrome; Greig cephalopolysyndactyly syndrome. Last evaluated: 2026-01-26. Review status: criteria provided, single submitter. Criteria: Invitae Variant Classification Sherloc (09022015). Collection method: clinical testing. Allele origin: germline.

CeGaT Center for Human Genetics Tuebingen
Classification: Likely benign. Last evaluated: 2026-01-01. Review status: criteria provided, single submitter. Criteria: CeGaT Center For Human Genetics Tuebingen Variant Classification Criteria Version 2. Collection method: clinical testing. Allele origin: germline. Affected: yes. Observed: 9 variant alleles.
Comment: GLI3: BP4, BP7, BS1

Blueprint Genetics
Classification: Likely benign. Last evaluated: 2024-10-30. Review status: criteria provided, single submitter. Criteria: ACMG Guidelines, 2015. Collection method: clinical testing. Allele origin: germline.

Fulgent Genetics
Classification: Benign for Pallister-Hall syndrome; Polydactyly, postaxial, type A1; Polysyndactyly 4; Greig cephalopolysyndactyly syndrome. Last evaluated: 2021-08-05. Review status: criteria provided, single submitter. Criteria: ACMG Guidelines, 2015. Collection method: clinical testing. Allele origin: unknown.

GeneDx
Classification: Likely benign. Last evaluated: 2021-01-19. Review status: criteria provided, single submitter. Criteria: GeneDx Variant Classification Process June 2021. Collection method: clinical testing. Allele origin: germline. Affected: yes.

Genetic Services Laboratory, University of Chicago
Classification: Likely benign. Last evaluated: 2018-11-14. Review status: criteria provided, single submitter. Criteria: ACMG Guidelines, 2015. Collection method: clinical testing. Allele origin: germline. Affected: no.

Illumina Laboratory Services, Illumina
Classification: Benign for Greig cephalopolysyndactyly syndrome. Last evaluated: 2018-01-12. Review status: criteria provided, single submitter. Criteria: ICSL Variant Classification Criteria 13 December 2019. Collection method: clinical testing. Allele origin: germline.
Comment: This variant was observed in the ICSL laboratory as part of a predisposition screen in an ostensibly healthy population. It had not been previously curated by ICSL or reported in the Human Gene Mutation Database (HGMD: prior to June 1st, 2018), and was therefore a candidate for classification through an automated scoring system. Utilizing variant allele frequency, disease prevalence and penetrance estimates, and inheritance mode, an automated score was calculated to assess if this variant is too frequent to cause the disease. Based on the score and internal cut-off values, a variant classified as benign is not then subjected to further curation. The score for this variant resulted in a classification of benign for this disease.

Illumina Laboratory Services, Illumina
Classification: Benign for Polydactyly. Last evaluated: 2018-01-12. Review status: criteria provided, single submitter. Criteria: ICSL Variant Classification Criteria 13 December 2019. Collection method: clinical testing. Allele origin: germline.
Comment: the same text as in the submission from Illumina Laboratory Services, Illumina above.

Illumina Laboratory Services, Illumina
Classification: Benign for Pallister-Hall syndrome. Last evaluated: 2018-01-12. Review status: criteria provided, single submitter. Criteria: ICSL Variant Classification Criteria 13 December 2019. Collection method: clinical testing. Allele origin: germline.
Comment: the same text as in the submission from Illumina Laboratory Services, Illumina above.

Eurofins Ntd Llc (ga)
Classification: Likely benign. Last evaluated: 2017-03-29. Review status: criteria provided, single submitter. Criteria: EGL Classification Definitions 2015. Collection method: clinical testing. Allele origin: germline. Observed: 1 variant allele, 1 heterozygote.

PreventionGenetics, part of Exact Sciences
Classification: Likely benign for GLI3-related condition. Last evaluated: 2019-08-08. Review status: no assertion criteria provided. Collection method: clinical testing. Allele origin: germline. Not counted in ClinVar's aggregate classification.
Comment: This variant is classified as likely benign based on ACMG/AMP sequence variant interpretation guidelines (Richards et al. 2015 PMID: 25741868, with internal and published modifications).

NM_000168.6(GLI3):c.4005G>A (p.Pro1335=)

Gene: GLI3 (GLI family zinc finger 3; minus strand). Cytogenetic location: 7p14.1.
Variant type: single nucleotide variant.
Coding change: c.4005G>A on transcript NM_000168.6 (MANE Select); coding-DNA position 4005, G replaced by A.
Protein change: p.Pro1335=; no amino-acid change (proline 1335 retained).
Molecular consequence: synonymous variant.
Genome position (GRCh38, 1-based): chr7:41,965,068, C>T on the plus strand (G>A on the coding strand, the complement: GLI3 is on the minus strand). VCF-style: chr7-41965068-C-T. GRCh37 (hg19) VCF-style: chr7-42004666-C-T.
Identifiers: ClinVar variation 360226 (VCV000360226.49), dbSNP rs149860242, ClinGen allele CA4230210.